The following is an entry in ClinVar:

NM_006005.3(WFS1):c.1693C>G (p.Leu565Val)

Gene: WFS1 (wolframin ER transmembrane glycoprotein; plus strand). Cytogenetic location: 4p16.1.
Variant type: single nucleotide variant.
Coding change: c.1693C>G on transcript NM_006005.3 (MANE Select); coding-DNA position 1693, C replaced by G.
Protein change: p.Leu565Val; replaces leucine 565 with valine.
Molecular consequence: missense variant.
Genome position (GRCh38, 1-based): chr4:6,301,488, C>G. VCF-style: chr4-6301488-C-G. GRCh37 (hg19) VCF-style: chr4-6303215-C-G.
Other names: c.1693C>G, p.Leu565Val (NM_001145853.1); short protein forms L565V.
Identifiers: ClinVar variation 229638 (VCV000229638.26), dbSNP rs200058166, ClinGen allele CA2839449.
Genomic context (GRCh38, chr4:6,301,488, plus strand): 5'-GTGGTCATCCTGCTGGAGTCCACCGGCCTGGGGCTGCTCCGCGCCTCCATCGGCTACTTC[C>G]TCTTCCTCTTTGCCCTCCCCATCCTGGTGGCCGGCCTGGCCCTGGTGGGCGTGCTGCAGT-3'
Protein context (NP_005996.2, residues 555-575): GLLRASIGYF[Leu565Val]FLFALPILVA

ClinVar aggregate classification (germline): Uncertain significance/Uncertain risk allele. Review status: criteria provided, multiple submitters, no conflicts (2 of 4 stars). 7 submissions from 7 submitters: Uncertain significance (6); Uncertain risk allele (1). Last evaluated 2026-01-08.

Conditions:
Autosomal dominant nonsyndromic hearing loss 6 (LFSNHL). Also called: Autosomal dominant nonsyndromic deafness 6; DEAFNESS, AUTOSOMAL DOMINANT 6; DEAFNESS, AUTOSOMAL DOMINANT 14; DEAFNESS, AUTOSOMAL DOMINANT 38. Identifiers: Orphanet 90635, MedGen C1833021, MONDO:0010963, OMIM 600965.
Type 2 diabetes mellitus. Also called: Type II diabetes mellitus. Identifiers: MedGen C0011860, MeSH D003924, MONDO:0005148, OMIM 125853, HP:0005978.
Cataract 41 (CTRCT41). Also called: CATARACT 41, CONGENITAL NUCLEAR TYPE. Identifiers: Orphanet 91492, Orphanet 98991, Orphanet 98992, Orphanet 98995, MedGen C3805412, MONDO:0007287, OMIM 116400.
Wolfram-like syndrome. Also called: HEARING LOSS, PROGRESSIVE, WITH OPTIC ATROPHY AND/OR IMPAIRED GLUCOSE REGULATION. Identifiers: Orphanet 411590, MedGen C3280358, MONDO:0013673, OMIM 614296.
Wolfram syndrome 1 (WFS1). Identifiers: Orphanet 3463, MedGen C4551693, MONDO:0009101, OMIM 222300.

Allele frequency attached by ClinVar (database versions not stated): ExAC 0.00003; gnomAD exomes 0.00004; gnomAD 0.00030 and 0.00031; 1000 Genomes Project 0.00060; 1000 Genomes Project 30x 0.00062; TOPMed 0.00075.
gnomAD v4.1: 75 of 1,613,128 alleles (0.0046%); highest among the groups gnomAD compares: Admixed American, 0.1%; no homozygotes.

Submissions (7):

Labcorp Genetics (formerly Invitae), Labcorp
Classification: Uncertain significance. Last evaluated: 2026-01-08. Review status: criteria provided, single submitter. Criteria: Invitae Variant Classification Sherloc (09022015). Collection method: clinical testing. Allele origin: germline.
Comment: This sequence change replaces leucine, which is neutral and non-polar, with valine, which is neutral and non-polar, at codon 565 of the WFS1 protein (p.Leu565Val). This variant is present in population databases (rs200058166, gnomAD 0.02%). This variant has not been reported in the literature in individuals affected with WFS1-related conditions. ClinVar contains an entry for this variant (Variation ID: 229638). Invitae Evidence Modeling of protein sequence and biophysical properties (such as structural, functional, and spatial information, amino acid conservation, physicochemical variation, residue mobility, and thermodynamic stability) indicates that this missense variant is not expected to disrupt WFS1 protein function with a negative predictive value of 80%. In summary, the available evidence is currently insufficient to determine the role of this variant in disease. Therefore, it has been classified as a Variant of Uncertain Significance.

GeneDx
Classification: Uncertain significance. Last evaluated: 2025-02-07. Review status: criteria provided, single submitter. Criteria: GeneDx Variant Classification Process June 2021. Collection method: clinical testing. Allele origin: germline. Affected: yes.
Comment: In silico analysis indicates that this missense variant does not alter protein structure/function; Has not been previously published as pathogenic or benign to our knowledge; This variant is associated with the following publications: (PMID: 30019023)

Blueprint Genetics
Classification: Uncertain significance. Last evaluated: 2024-06-06. Review status: criteria provided, single submitter. Criteria: ACMG Guidelines, 2015. Collection method: clinical testing. Allele origin: germline.

Fulgent Genetics
Classification: Uncertain significance for Cataract 41; Type 2 diabetes mellitus; Wolfram syndrome 1; Autosomal dominant nonsyndromic hearing loss 6; Wolfram-like syndrome. Last evaluated: 2024-04-18. Review status: criteria provided, single submitter. Criteria: ACMG Guidelines, 2015. Collection method: clinical testing. Allele origin: germline.

New York Genome Center
Classification: Uncertain significance for Wolfram syndrome 1; Wolfram-like syndrome. Last evaluated: 2021-04-30. Review status: criteria provided, single submitter. Criteria: NYGC Assertion Criteria 2020. Collection method: clinical testing. Allele origin: inherited. Observed: 1 heterozygote. Study: CSER-NYCKidSeq.

Laboratory for Molecular Medicine, Mass General Brigham Personalized Medicine
Classification: Uncertain significance. Last evaluated: 2017-12-21. Review status: criteria provided, single submitter. Criteria: LMM Criteria. Collection method: clinical testing. Allele origin: germline. Observed: 2 variant alleles.
Comment: This variant has bee n identified in 7/33580 Latino chromosomes by the Genome Aggregation Database (g nomAD; dbSNP rs200058166). Although this vari ant has been seen in the general population, its frequency is not high enough to rule out a pathogenic role. Computational prediction tools and conservation ana lysis do not provide strong support for or against an impact to the protein. In summary, the clinical significance of the p.Leu565Val variant is uncertain. ACMG /AMP criteria applied: none.

Clinical Genomics, Uppaluri K&H Personalized Medicine Clinic
Classification: Uncertain risk allele for Wolfram syndrome 1. Review status: criteria provided, single submitter. Criteria: K & H Uppaluri Personalized Medicine Clinic Variant Classification & Assertion Criteria_Updated V.1. Collection method: research. Allele origin: unknown. Inheritance: Autosomal recessive inheritance.
Comment: Potent mutations in WFS1 gene are associated with Wolfram's syndrome, an autosomal recessive condition, which cause diabetes mellitus, diabetes insipidus, deafness and optic atrophy. However no sufficient evidence is found to ascertain the role of this particular variant rs200058166 in Wolfram's syndrome yet.

Literature cited by the submitters: PubMed 20738327 (cited by Clinical Genomics, Uppaluri K&H Personalized Medicine Clinic); PubMed 33879153 (cited by Clinical Genomics, Uppaluri K&H Personalized Medicine Clinic); PubMed 12955714 (cited by Clinical Genomics, Uppaluri K&H Personalized Medicine Clinic); PubMed 18060660 (cited by Clinical Genomics, Uppaluri K&H Personalized Medicine Clinic); PubMed 20301750 (cited by Clinical Genomics, Uppaluri K&H Personalized Medicine Clinic); PubMed 17603484 (cited by Clinical Genomics, Uppaluri K&H Personalized Medicine Clinic).